The following is an entry in ClinVar:

ClinVar aggregate classification (germline): Likely pathogenic (1 of 4 stars; one submission).

Submission:

Labcorp Genetics (formerly Invitae), Labcorp
Classification: Likely pathogenic. Last evaluated: 2019-08-02. Review status: criteria provided, single submitter. Criteria: Invitae Variant Classification Sherloc (09022015). Collection method: clinical testing. Allele origin: germline.
Comment: This sequence change is a complex rearrangement involving a deletion of part of intron 12 and exon 13 (c.1405-3739_1459del) with inverted sequence from exon 13 and intron 12 in its place. The extent of the inverted sequence cannot be determined with this assay. Although the exact nature of the event is unknown, it is likely that this is an inversion of part of intron 12 and exon 13. This is expected to disrupt RNA splicing and likely results in an absent or disrupted protein product. This variant has not been reported in the literature in individuals with PHEX-related conditions. Loss-of-function variants in PHEX are known to be pathogenic (PMID: 9097956, 9106524, 19219621). In summary, the currently available evidence indicates that the variant is pathogenic, but additional data are needed to prove that conclusively. Therefore, this variant has been classified as Likely Pathogenic.

NM_000444.6(PHEX):c.1405-3739_1459del

Genes: PHEX (phosphate regulating endopeptidase X-linked; plus strand), PHEX-AS1 (PHEX antisense RNA 1; minus strand). Cytogenetic location: Xp22.11.
Variant type: Deletion.
Coding change: c.1405-3739_1459del on transcript NM_000444.6 (MANE Select); 3739 bases into the intron before coding-DNA position 1405 through coding-DNA position 1459, 3,794 bases deleted.
Molecular consequence: splice acceptor variant.
Genome position (GRCh38, 1-based): chrX:22,164,573-22,168,366, 3,794 bases deleted. GRCh37 (hg19): chrX:22,182,690-22,186,483.
Other names: c.1405-3739_1459del (NM_001282754.2).
Identifiers: ClinVar variation 944613 (VCV000944613.1), ClinGen allele CA1139667298.